The following is an entry in ClinVar:

NM_019892.6(INPP5E):c.65C>G (p.Thr22Arg)

Gene: INPP5E (inositol polyphosphate-5-phosphatase E; minus strand). Cytogenetic location: 9q34.3.
Variant type: single nucleotide variant.
Coding change: c.65C>G on transcript NM_019892.6 (MANE Select); coding-DNA position 65, C replaced by G.
Protein change: p.Thr22Arg; replaces threonine 22 with arginine.
Molecular consequence: missense variant.
Genome position (GRCh38, 1-based): chr9:136,439,355, G>C on the plus strand (C>G on the coding strand, the complement: INPP5E is on the minus strand). VCF-style: chr9-136439355-G-C. GRCh37 (hg19) VCF-style: chr9-139333807-G-C.
Other names: c.65C>G, p.Thr22Arg (NM_001318502.2); c.65C>G (NM_019892.4, NM_019892.5); short protein forms T22R.
Identifiers: ClinVar variation 1414808 (VCV001414808.8), dbSNP rs556184252, ClinGen allele CA201649454.
Genomic context (GRCh38, chr9:136,439,355, plus strand): 5'-GCATCGGGTGGGGACCCCGCGCGCTGGGCCGGCGGAGCGCCGGGAAGCTGTCCTTGGAGC[G>C]TCCTCCCTTCCGGCGGCTGCGGGGCCGGCTCGGAGGGCCGCAGATTCTCCGCCTTGGACG-3'
Protein context (NP_063945.2, residues 12-32): EPAPQPPEGR[Thr22Arg]LQGQLPGAPP

ClinVar aggregate classification (germline): Uncertain significance. Review status: criteria provided, multiple submitters, no conflicts (2 of 4 stars). 5 submissions from 5 submitters: Uncertain significance (4). 1 of the submissions does not count toward it. Last evaluated 2025-07-31.

Conditions:
INPP5E-related disorder. Also called: INPP5E-related condition.
Inborn genetic diseases. Identifiers: MedGen C0950123, MeSH D030342.
Joubert syndrome 1 (JBTS1). Also called: CEREBELLOPARENCHYMAL DISORDER IV; Cerebellooculorenal syndrome 1. Identifiers: MedGen C4551568, MONDO:0008944, OMIM 213300.
MORM syndrome (MORMS). Identifiers: Orphanet 75858, MedGen C1857802, MONDO:0012423, OMIM 610156.
Joubert syndrome. Also called: JOUBERT-BOLTSHAUSER SYNDROME; Familial aplasia of the vermis. Identifiers: Orphanet 475, MedGen C5979921, MONDO:0018772.

Allele frequency attached by ClinVar (database versions not stated): gnomAD exomes 0.00001 and 0.00002; gnomAD 0.00010 and 0.00012; TOPMed 0.00014; 1000 Genomes Project 0.00020; 1000 Genomes Project 30x 0.00031.
gnomAD v4.1: 33 of 1,444,362 alleles (0.0023%); highest among the groups gnomAD compares: African/African-American, 0.046%; no homozygotes.

Submissions (5):

Labcorp Genetics (formerly Invitae), Labcorp
Classification: Uncertain significance for Joubert syndrome. Last evaluated: 2025-07-31. Review status: criteria provided, single submitter. Criteria: Invitae Variant Classification Sherloc (09022015). Collection method: clinical testing. Allele origin: germline.
Comment: This sequence change replaces threonine, which is neutral and polar, with arginine, which is basic and polar, at codon 22 of the INPP5E protein (p.Thr22Arg). The frequency data for this variant in the population databases is considered unreliable, as metrics indicate poor data quality at this position in the gnomAD database. This variant has not been reported in the literature in individuals affected with INPP5E-related conditions. ClinVar contains an entry for this variant (Variation ID: 1414808). Invitae Evidence Modeling of protein sequence and biophysical properties (such as structural, functional, and spatial information, amino acid conservation, physicochemical variation, residue mobility, and thermodynamic stability) has been performed for this missense variant. However, the output from this modeling did not meet the statistical confidence thresholds required to predict the impact of this variant on INPP5E protein function. In summary, the available evidence is currently insufficient to determine the role of this variant in disease. Therefore, it has been classified as a Variant of Uncertain Significance.

Ambry Genetics
Classification: Uncertain significance for Inborn genetic diseases. Last evaluated: 2024-05-26. Review status: criteria provided, single submitter. Criteria: Ambry Variant Classification Scheme 2023. Collection method: clinical testing. Allele origin: germline.

Fulgent Genetics
Classification: Uncertain significance for Joubert syndrome 1; MORM syndrome. Last evaluated: 2024-03-20. Review status: criteria provided, single submitter. Criteria: ACMG Guidelines, 2015. Collection method: clinical testing. Allele origin: germline.

Blueprint Genetics
Classification: Uncertain significance. Last evaluated: 2021-09-06. Review status: criteria provided, single submitter. Criteria: ACMG Guidelines, 2015. Collection method: clinical testing. Allele origin: germline.

PreventionGenetics, part of Exact Sciences
Classification: Uncertain significance for INPP5E-related condition. Last evaluated: 2024-06-13. Review status: no assertion criteria provided. Collection method: clinical testing. Allele origin: germline. Not counted in ClinVar's aggregate classification.
Comment: The INPP5E c.65C>G variant is predicted to result in the amino acid substitution p.Thr22Arg. To our knowledge, this variant has not been reported in the literature. This variant is reported in 0.032% of alleles in individuals of African descent in gnomAD. At this time, the clinical significance of this variant is uncertain due to the absence of conclusive functional and genetic evidence.